The following is an entry in ClinVar:

ClinVar aggregate classification (germline): Likely benign (1 of 4 stars; one submission).

Submission:

CeGaT Center for Human Genetics Tuebingen
Classification: Likely benign. Last evaluated: 2024-09-01. Review status: criteria provided, single submitter. Criteria: CeGaT Center For Human Genetics Tuebingen Variant Classification Criteria Version 2. Collection method: clinical testing. Allele origin: germline. Affected: yes. Observed: 1 variant allele.
Comment: APC: PM2:Supporting, BP4, BP7

NM_000038.6(APC):c.2514A>G (p.Arg838=)

Gene: APC (APC regulator of Wnt signaling pathway; plus strand). Cytogenetic location: 5q22.2.
Variant type: single nucleotide variant.
Coding change: c.2514A>G on transcript NM_000038.6 (MANE Select); coding-DNA position 2514, A replaced by G.
Protein change: p.Arg838=; no amino-acid change (arginine 838 retained).
Molecular consequence: synonymous variant. On other transcripts: non-coding transcript variant (2).
Genome position (GRCh38, 1-based): chr5:112,838,108, A>G. VCF-style: chr5-112838108-A-G. GRCh37 (hg19) VCF-style: chr5-112173805-A-G.
Other names: c.2514A>G, p.Arg838= (NM_001127510.3, NM_001354895.2, NM_001407450.1); c.2460A>G, p.Arg820= (NM_001127511.3); c.2568A>G, p.Arg856= (NM_001354896.2, NM_001407447.1, NM_001407448.1 and 1 more transcripts); c.2544A>G, p.Arg848= (NM_001354897.2); c.2439A>G, p.Arg813= (NM_001354898.2); c.2430A>G, p.Arg810= (NM_001354899.2); c.2391A>G, p.Arg797= (NM_001354900.2); c.2337A>G, p.Arg779= (NM_001354901.2, NM_001407453.1); and 11 more.
Identifiers: ClinVar variation 3389710 (VCV003389710.14).